The following is an entry in ClinVar:

ClinVar aggregate classification (germline): Uncertain significance. Review status: criteria provided, multiple submitters, no conflicts (2 of 4 stars). 3 submissions from 3 submitters: Uncertain significance (2). 1 of the submissions does not count toward it. Last evaluated 2026-07-08.

Conditions:
Hereditary cancer-predisposing syndrome. Also called: Neoplastic Syndromes, Hereditary; Tumor predisposition; Hereditary Cancer Syndrome; Hereditary neoplastic syndrome. Identifiers: Orphanet 140162, MedGen C0027672, MeSH D009386, MONDO:0015356.
MITF-related disorder. Also called: MITF-related condition.

Allele frequency attached by ClinVar (database versions not stated): gnomAD 0.00003; TOPMed 0.00001.
gnomAD v4.1: 4 of 1,609,830 alleles (0.00025%); highest among the groups gnomAD compares: Admixed American, 0.0067%; no homozygotes.

Submissions (3):

Ambry Genetics
Classification: Uncertain significance for Hereditary cancer-predisposing syndrome. Last evaluated: 2026-07-08. Review status: criteria provided, single submitter. Criteria: Ambry Variant Classification Scheme 2023. Collection method: clinical testing. Allele origin: germline.

GeneDx
Classification: Uncertain significance. Last evaluated: 2019-09-19. Review status: criteria provided, single submitter. Criteria: GeneDx Variant Classification Process June 2021. Collection method: clinical testing. Allele origin: germline. Affected: yes.
Comment: Not observed in large population cohorts (Lek 2016); In silico analysis, which includes protein predictors and evolutionary conservation, supports a deleterious effect; Has not been previously published as pathogenic or benign to our knowledge

PreventionGenetics, part of Exact Sciences
Classification: Uncertain significance for MITF-related condition. Last evaluated: 2024-01-03. Review status: no assertion criteria provided. Collection method: clinical testing. Allele origin: germline. Not counted in ClinVar's aggregate classification.
Comment: The MITF c.431T>A variant is predicted to result in the amino acid substitution p.Met144Lys. To our knowledge, this variant has not been reported in the literature or in a large population database, indicating this variant is rare. This variant is reported with uncertain significance in ClinVar. At this time, the clinical significance of this variant is uncertain due to the absence of conclusive functional and genetic evidence.

NM_001354604.2(MITF):c.752T>A (p.Met251Lys)

Gene: MITF (melanocyte inducing transcription factor; plus strand). Cytogenetic location: 3p13.
Variant type: single nucleotide variant.
Coding change: c.752T>A on transcript NM_001354604.2 (MANE Select); coding-DNA position 752, T replaced by A.
Protein change: p.Met251Lys; replaces methionine 251 with lysine.
Molecular consequence: missense variant.
Genome position (GRCh38, 1-based): chr3:69,941,321, T>A. VCF-style: chr3-69941321-T-A. GRCh37 (hg19) VCF-style: chr3-69990472-T-A.
Other names: c.431T>A, p.Met144Lys (NM_000248.4, NM_198158.3); c.596T>A, p.Met199Lys (NM_001184967.2, NM_001354608.2); c.749T>A, p.Met250Lys (NM_001354605.2, NM_001354606.2, NM_006722.3); c.701T>A, p.Met234Lys (NM_001354607.2); c.752T>A, p.Met251Lys (NM_198159.3); c.704T>A, p.Met235Lys (NM_198177.3); c.263T>A, p.Met88Lys (NM_198178.3); short protein forms M144K, M199K, M234K, M235K, M250K, M251K, M88K.
Identifiers: ClinVar variation 1308728 (VCV001308728.5), dbSNP rs1471650575, ClinGen allele CA353561205.